The following is an entry in ClinVar:

ClinVar aggregate classification (germline): Benign/Likely benign. Review status: criteria provided, multiple submitters, no conflicts (2 of 4 stars). 2 submissions from 2 submitters: Benign (1); Likely benign (1). Last evaluated 2026-01-01.

Allele frequency attached by ClinVar (database versions not stated): gnomAD 0.00007; ESP Exome Variant Server 0.00009.
gnomAD v4.1: 97 of 1,205,935 alleles (0.008%); highest among the groups gnomAD compares: Non-Finnish European, 0.011%; no homozygotes.

Submissions (2):

CeGaT Center for Human Genetics Tuebingen
Classification: Likely benign. Last evaluated: 2026-01-01. Review status: criteria provided, single submitter. Criteria: CeGaT Center For Human Genetics Tuebingen Variant Classification Criteria Version 2. Collection method: clinical testing. Allele origin: germline. Affected: yes. Observed: 2 variant alleles.
Comment: BRWD3: BP4, BP7, BS2

Labcorp Genetics (formerly Invitae), Labcorp
Classification: Benign. Last evaluated: 2025-11-10. Review status: criteria provided, single submitter. Criteria: Invitae Variant Classification Sherloc (09022015). Collection method: clinical testing. Allele origin: germline.

NM_153252.5(BRWD3):c.2784C>A (p.Ile928=)

Gene: BRWD3 (bromodomain and WD repeat domain containing 3; minus strand). Cytogenetic location: Xq21.1.
Variant type: single nucleotide variant.
Coding change: c.2784C>A on transcript NM_153252.5 (MANE Select); coding-DNA position 2784, C replaced by A.
Protein change: p.Ile928=; no amino-acid change (isoleucine 928 retained).
Molecular consequence: synonymous variant.
Genome position (GRCh38, 1-based): chrX:80,703,531, G>T on the plus strand (C>A on the coding strand, the complement: BRWD3 is on the minus strand). VCF-style: chrX-80703531-G-T. GRCh37 (hg19) VCF-style: chrX-79959030-G-T.
Identifiers: ClinVar variation 2975549 (VCV002975549.9), dbSNP rs374506452, ClinGen allele CA10461951.
Genomic context (GRCh38, chrX:80,703,531, plus strand): 5'-AATAATTACCTCATCTCCCATTTGTGGGACAAATGGGGAACGTCGGGGTATAGTATCCAA[G>T]ATCCACTGAGGGGCAAACCATTCTTCATTAGGCTCACCTGCTATAGAAACCAGTCCTCCT-3'
Protein context (NP_694984.5, residues 918-938): PNEEWFAPQW[Ile928=]LDTIPRRSPF